The following is an entry in ClinVar:

ClinVar aggregate classification (germline): other (0 of 4 stars; one submission).

Conditions:
Familial colorectal cancer. Identifiers: MedGen CN280943, MONDO:0023113. Disease mechanism: loss of function.

Allele frequency attached by ClinVar (database versions not stated): gnomAD 0.01752 and 0.01775; 1000 Genomes Project 0.16054.
gnomAD v4.1: 440 of 25,148 alleles (1.7%); highest among the groups gnomAD compares: African/African-American, 3.4%; 2 homozygotes.

Submission:

Systems Biology Platform Zhejiang California International NanoSystems Institute
Classification: other for Familial colorectal cancer. Review status: no assertion criteria provided. Collection method: not provided. Allele origin: unknown.
ClinVar note: Converted during submission from cancer to other.

NM_000038.6(APC):c.729+1528G>A

Gene: APC (APC regulator of WNT signaling pathway; plus strand). Cytogenetic location: 5q22.2.
Variant type: single nucleotide variant.
Coding change: c.729+1528G>A on transcript NM_000038.6 (MANE Select); 1528 bases into the intron after coding-DNA position 729, G replaced by A.
Molecular consequence: intron variant.
Genome position (GRCh38, 1-based): chr5:112,794,057, G>A. VCF-style: chr5-112794057-G-A. GRCh37 (hg19) VCF-style: chr5-112129754-G-A.
Other names: c.729+1528G>A (NM_001354895.2, NM_001127510.3, NM_001354896.2 and 1 more transcripts); c.759+1528G>A (NM_001354897.2, NM_001354902.2); c.676-7222G>A (NM_001127511.3); c.654+1528G>A (NM_001354898.2, NM_001354904.2); c.-307+1528G>A (NM_001354906.2); c.646-7222G>A (NM_001354899.2); c.552+1528G>A (NM_001354900.2, NM_001354901.2, NM_001354905.2).
Identifiers: ClinVar variation 83009 (VCV000083009.2), dbSNP rs66964065, ClinGen allele CA013017.